The following is an entry in ClinVar:

ClinVar aggregate classification (germline): Uncertain significance (1 of 4 stars; one submission).

Conditions:
Hereditary cancer-predisposing syndrome. Also called: Hereditary Cancer Syndrome; Hereditary neoplastic syndrome; Neoplastic Syndromes, Hereditary; Tumor predisposition. Identifiers: Orphanet 140162, MedGen C0027672, MeSH D009386, MONDO:0015356.

Submission:

Ambry Genetics
Classification: Uncertain significance for Hereditary cancer-predisposing syndrome. Last evaluated: 2025-07-13. Review status: criteria provided, single submitter. Criteria: Ambry Variant Classification Scheme 2023. Collection method: clinical testing. Allele origin: germline.
Comment: The p.N37D variant (also known as c.109A>G), located in coding exon 2 of the BRIP1 gene, results from an A to G substitution at nucleotide position 109. The asparagine at codon 37 is replaced by aspartic acid, an amino acid with highly similar properties. This amino acid position is conserved. In addition, this alteration is predicted to be tolerated by in silico analysis. Based on the available evidence, the clinical significance of this variant remains unclear.

NM_032043.3(BRIP1):c.109A>G (p.Asn37Asp)

Gene: BRIP1 (BRCA1 interacting DNA helicase 1; minus strand). Cytogenetic location: 17q23.2.
Variant type: single nucleotide variant.
Coding change: c.109A>G on transcript NM_032043.3 (MANE Select); coding-DNA position 109, A replaced by G.
Protein change: p.Asn37Asp; replaces asparagine 37 with aspartic acid.
Molecular consequence: missense variant.
Genome position (GRCh38, 1-based): chr17:61,859,892, T>C on the plus strand (A>G on the coding strand, the complement: BRIP1 is on the minus strand). VCF-style: chr17-61859892-T-C. GRCh37 (hg19) VCF-style: chr17-59937253-T-C.
Other names: short protein forms N37D.
Identifiers: ClinVar variation 4216257 (VCV004216257.1).